The following is an entry in ClinVar:

NM_006950.3(SYN1):c.1218C>T (p.Ile406=)

Gene: SYN1 (synapsin I; minus strand). Cytogenetic location: Xp11.3.
Variant type: single nucleotide variant.
Coding change: c.1218C>T on transcript NM_006950.3 (MANE Select); coding-DNA position 1218, C replaced by T.
Protein change: p.Ile406=; no amino-acid change (isoleucine 406 retained).
Molecular consequence: synonymous variant.
Genome position (GRCh38, 1-based): chrX:47,575,215, G>A on the plus strand (C>T on the coding strand, the complement: SYN1 is on the minus strand). VCF-style: chrX-47575215-G-A. GRCh37 (hg19) VCF-style: chrX-47434614-G-A.
Other names: c.1218C>T, p.Ile406= (NM_133499.2).
Identifiers: ClinVar variation 2018152 (VCV002018152.17), dbSNP rs1482108269, ClinGen allele CA515991873.

ClinVar aggregate classification (germline): Likely benign. Review status: criteria provided, multiple submitters, no conflicts (2 of 4 stars). 2 submissions from 2 submitters: Likely benign (2). Last evaluated 2025-02-01.

Conditions:
Epilepsy, X-linked 1, with variable learning disabilities and behavior disorders. Also called: X-linked epilepsy-learning disabilities-behavior disorders syndrome. Identifiers: Orphanet 85294, MedGen C5774177, MONDO:0010339, OMIM 300491.

Allele frequency attached by ClinVar (database versions not stated): gnomAD 0.00001.
gnomAD v4.1: 8 of 1,204,716 alleles (0.00066%); highest among the groups gnomAD compares: Middle Eastern, 0.023%; no homozygotes.

Submissions (2):

CeGaT Center for Human Genetics Tuebingen
Classification: Likely benign. Last evaluated: 2025-02-01. Review status: criteria provided, single submitter. Criteria: CeGaT Center For Human Genetics Tuebingen Variant Classification Criteria Version 2. Collection method: clinical testing. Allele origin: germline. Affected: yes. Observed: 1 variant allele.
Comment: SYN1: BP4, BP7

Labcorp Genetics (formerly Invitae), Labcorp
Classification: Likely benign for Epilepsy, X-linked 1, with variable learning disabilities and behavior disorders. Last evaluated: 2022-08-11. Review status: criteria provided, single submitter. Criteria: Invitae Variant Classification Sherloc (09022015). Collection method: clinical testing. Allele origin: germline.